The following is an entry in ClinVar:

ClinVar aggregate classification (germline): Uncertain significance (1 of 4 stars; one submission).

Conditions:
Polyhydramnios, megalencephaly, and symptomatic epilepsy (PMSE). Also called: PMSE SYNDROME. Identifiers: Orphanet 500533, MedGen C1970203, MONDO:0012611, OMIM 611087.

Allele frequency attached by ClinVar (database versions not stated): gnomAD exomes below 0.00001.
gnomAD v4.1: 2 of 1,614,176 alleles (0.00012%); highest among the groups gnomAD compares: Admixed American, 0.0033%; no homozygotes.

Submission:

Labcorp Genetics (formerly Invitae), Labcorp
Classification: Uncertain significance for Polyhydramnios, megalencephaly, and symptomatic epilepsy. Last evaluated: 2021-04-11. Review status: criteria provided, single submitter. Criteria: Invitae Variant Classification Sherloc (09022015). Collection method: clinical testing. Allele origin: germline.
Comment: This variant is not present in population databases (ExAC no frequency). This sequence change replaces valine with leucine at codon 99 of the STRADA protein (p.Val99Leu). The valine residue is moderately conserved and there is a small physicochemical difference between valine and leucine. This variant has not been reported in the literature in individuals with STRADA-related conditions. In summary, the available evidence is currently insufficient to determine the role of this variant in disease. Therefore, it has been classified as a Variant of Uncertain Significance. Algorithms developed to predict the effect of missense changes on protein structure and function (SIFT, PolyPhen-2, Align-GVGD) all suggest that this variant is likely to be tolerated, but these predictions have not been confirmed by published functional studies and their clinical significance is uncertain.

NM_001003787.4(STRADA):c.295G>C (p.Val99Leu)

Gene: STRADA (STE20 related adaptor alpha; minus strand). Cytogenetic location: 17q23.3.
Variant type: single nucleotide variant.
Coding change: c.295G>C on transcript NM_001003787.4 (MANE Select); coding-DNA position 295, G replaced by C.
Protein change: p.Val99Leu; replaces valine 99 with leucine.
Molecular consequence: missense variant. On other transcripts: non-coding transcript variant (1).
Genome position (GRCh38, 1-based): chr17:63,713,459, C>G on the plus strand (G>C on the coding strand, the complement: STRADA is on the minus strand). VCF-style: chr17-63713459-C-G. GRCh37 (hg19) VCF-style: chr17-61790819-C-G.
Other names: c.184G>C, p.Val62Leu (NM_001003786.3, NM_001363789.1, NM_153335.6); c.121G>C, p.Val41Leu (NM_001003788.3, NM_001363790.1, NM_001363791.1); c.208G>C, p.Val70Leu (NM_001165969.2, NM_001363787.1); c.163G>C, p.Val55Leu (NM_001165970.2); c.271G>C, p.Val91Leu (NM_001363786.1); c.295G>C, p.Val99Leu (NM_001363788.1); short protein forms V62L, V70L, V91L, V41L, V55L, V99L.
Identifiers: ClinVar variation 1352163 (VCV001352163.8), dbSNP rs2143909037, ClinGen allele CA400593671.
Genomic context (GRCh38, chr17:63,713,459, plus strand): 5'-TTATTACCTGCAAGAATGTTACCATCTCATTGGAACAAGCTTCTAGGTTAATCCTCCGTA[C>G]AGTCACGTACTCTCCTGTTGGTTTGTACCTTGCTAGATTCACAGTCATCAGGTCCTCAAA-3'
Protein context (NP_001003787.1, residues 89-109): RYKPTGEYVT[Val99Leu]RRINLEACSN